The following is an entry in ClinVar:

NC_000002.11:g.(?_179516160)_(179518254_?)dup

Gene: TTN (titin; minus strand). Cytogenetic location: 2q31.2.
Variant type: Duplication.
Identifiers: ClinVar variation 3247288 (VCV003247288.1).

ClinVar aggregate classification (germline): Uncertain significance (1 of 4 stars; one submission).

Conditions:
Autosomal recessive limb-girdle muscular dystrophy type 2J (LGMDR10). Also called: Limb-girdle muscular dystrophy, type 2J; MUSCULAR DYSTROPHY, LIMB-GIRDLE, AUTOSOMAL RECESSIVE 10. Identifiers: Orphanet 140922, MedGen C1837342, MONDO:0012127, OMIM 608807.
Dilated cardiomyopathy 1G (CMD1G). Identifiers: Orphanet 154, MedGen C1858763, MONDO:0011400, OMIM 604145.

Submission:

Labcorp Genetics (formerly Invitae), Labcorp
Classification: Uncertain significance for Dilated cardiomyopathy 1G; Autosomal recessive limb-girdle muscular dystrophy type 2J. Last evaluated: 2023-07-12. Review status: criteria provided, single submitter. Criteria: Invitae Variant Classification Sherloc (09022015). Collection method: clinical testing. Allele origin: unknown.
Comment: This variant results in a copy number gain of the genomic region encompassing exon(s) 202-207 of the TTN gene. This copy number gain extends beyond the assayed region for this gene. This variant has not been reported in the literature in individuals affected with TTN-related conditions. Experimental studies and prediction algorithms are not available or were not evaluated, and the functional significance of this variant is currently unknown. In summary, the available evidence is currently insufficient to determine the role of this variant in disease. Therefore, it has been classified as a Variant of Uncertain Significance. This variant disrupts the I band(s) of TTN (PMID: 25589632). Copy number variants in TTN have been previously reported in individuals affected with neuromuscular disorders (PMID: 29792937, 30238059), but the functional significance of this variant is currently unknown.

Literature cited by the submitters: PubMed 25589632; PubMed 29792937; PubMed 30238059.